The following is an entry in ClinVar:

ClinVar aggregate classification (germline): Uncertain significance. Review status: criteria provided, single submitter (1 of 4 stars). 2 submissions from 2 submitters: Uncertain significance (1). 1 of the submissions does not count toward it. Last evaluated 2020-07-11.

Conditions:
Hereditary spastic paraplegia 49 (HSAN9). Also called: Spastic paraplegia 49, autosomal recessive; NEUROPATHY, HEREDITARY SENSORY AND AUTONOMIC, TYPE IX, WITH DEVELOPMENTAL DELAY; TECPR2-Related Hereditary Sensory and Autonomic Neuropathy with Intellectual Disability. Identifiers: Orphanet 320385, MedGen C5190860, MONDO:0014016, OMIM 615031.

Submissions (2):

Institute of Human Genetics, University of Leipzig Medical Center
Classification: Uncertain significance for Hereditary spastic paraplegia 49. Last evaluated: 2020-07-11. Review status: criteria provided, single submitter. Criteria: ACMG Guidelines, 2015. Collection method: curation. Allele origin: paternal. Inheritance: Autosomal recessive inheritance. Affected: yes. Observed: 1 compound heterozygote.
Comment: The variant is paternally inherited. This missense variant c.566C>T, p.(Thr189Ile) in exon 4/20 of TECPR2 has not been reported in the general population (gnomAD), in public mutation databases or in the literature. Biallelic truncating or missense variants have been described to cause "Spastic paraplegia 49, autosomal recessive" (Oz-Levi et al. Am J Hum Genet. 2012, PMID: 23176824). Multiple in silico-tools predict this variant as damaging. Taken together, we classify this variant as of unknown significance based on the ACMG recommendations (Richards et al., 2015, PMID 25741868; criteria: PM2 PM3 PP3).

OMIM
Classification: Pathogenic for NEUROPATHY, HEREDITARY SENSORY AND AUTONOMIC, TYPE IX, WITH DEVELOPMENTAL DELAY. Last evaluated: 2021-09-15. Review status: no assertion criteria provided. Collection method: literature only. Allele origin: germline. Not counted in ClinVar's aggregate classification.

Literature cited by the submitters: PubMed 26542466 (cited by OMIM).

NM_014844.5(TECPR2):c.566C>T (p.Thr189Ile)

Gene: TECPR2 (tectonin beta-propeller repeat containing 2; plus strand). Cytogenetic location: 14q32.31.
Variant type: single nucleotide variant.
Coding change: c.566C>T on transcript NM_014844.5 (MANE Select); coding-DNA position 566, C replaced by T.
Protein change: p.Thr189Ile; replaces threonine 189 with isoleucine.
Molecular consequence: missense variant.
Genome position (GRCh38, 1-based): chr14:102,414,721, C>T. VCF-style: chr14-102414721-C-T. GRCh37 (hg19) VCF-style: chr14-102881058-C-T.
Other names: c.566C>T, p.Thr189Ile (NM_001172631.3); short protein forms T189I.
Identifiers: ClinVar variation 973834 (VCV000973834.4), dbSNP rs1888974156, ClinGen allele CA391041755.